The following is an entry in ClinVar:

NM_000642.3(AGL):c.771C>G (p.Phe257Leu)

Gene: AGL (amylo-alpha-1,6-glucosidase and 4-alpha-glucanotransferase; plus strand). Cytogenetic location: 1p21.2.
Variant type: single nucleotide variant.
Coding change: c.771C>G on transcript NM_000642.3 (MANE Select); coding-DNA position 771, C replaced by G.
Protein change: p.Phe257Leu; replaces phenylalanine 257 with leucine.
Molecular consequence: missense variant.
Genome position (GRCh38, 1-based): chr1:99,870,506, C>G. VCF-style: chr1-99870506-C-G. GRCh37 (hg19) VCF-style: chr1-100336062-C-G.
Other names: c.567C>G, p.Phe189Leu (NM_001425328.1, NM_001425329.1); c.393C>G, p.Phe131Leu (NM_001425332.1); c.771C>G, p.Phe257Leu (NM_000643.3, NM_000644.3, NM_001425325.1 and 3 more transcripts); c.723C>G, p.Phe241Leu (NM_000646.3); short protein forms F257L, F241L, F131L, F189L.
Identifiers: ClinVar variation 2154319 (VCV002154319.3), dbSNP rs781089278, ClinGen allele CA27568743.

ClinVar aggregate classification (germline): Uncertain significance (1 of 4 stars; one submission).

Conditions:
Glycogen storage disease type III (GSD3). Also called: FORBES DISEASE; Cori disease. Identifiers: Orphanet 366, MedGen C0017922, MONDO:0009291, OMIM 232400.

Allele frequency attached by ClinVar (database versions not stated): gnomAD exomes 0.00001.
gnomAD v4.1: 7 of 1,614,044 alleles (0.00043%); highest among the groups gnomAD compares: Non-Finnish European, 0.00059%; no homozygotes.

Submission:

Labcorp Genetics (formerly Invitae), Labcorp
Classification: Uncertain significance for Glycogen storage disease type III. Last evaluated: 2022-07-23. Review status: criteria provided, single submitter. Criteria: Invitae Variant Classification Sherloc (09022015). Collection method: clinical testing. Allele origin: germline.
Comment: This variant has not been reported in the literature in individuals affected with AGL-related conditions. This variant is not present in population databases (gnomAD no frequency). This sequence change replaces phenylalanine, which is neutral and non-polar, with leucine, which is neutral and non-polar, at codon 257 of the AGL protein (p.Phe257Leu). Algorithms developed to predict the effect of missense changes on protein structure and function output the following: SIFT: "Tolerated"; PolyPhen-2: "Benign"; Align-GVGD: "Class C0". The leucine amino acid residue is found in multiple mammalian species, which suggests that this missense change does not adversely affect protein function. In summary, the available evidence is currently insufficient to determine the role of this variant in disease. Therefore, it has been classified as a Variant of Uncertain Significance.